The following is an entry in ClinVar:

NM_000884.3(IMPDH2):c.1022G>A (p.Arg341Gln)

Gene: IMPDH2 (inosine monophosphate dehydrogenase 2; minus strand). Cytogenetic location: 3p21.31.
Variant type: single nucleotide variant.
Coding change: c.1022G>A on transcript NM_000884.3 (MANE Select); coding-DNA position 1022, G replaced by A.
Protein change: p.Arg341Gln; replaces arginine 341 with glutamine.
Molecular consequence: missense variant.
Genome position (GRCh38, 1-based): chr3:49,025,254, C>T on the plus strand (G>A on the coding strand, the complement: IMPDH2 is on the minus strand). VCF-style: chr3-49025254-C-T. GRCh37 (hg19) VCF-style: chr3-49062687-C-T.
Other names: c.1094G>A, p.Arg365Gln (NM_001410759.1); c.1019G>A, p.Arg340Gln (NM_001410760.1); c.947G>A, p.Arg316Gln (NM_001410761.1); short protein forms R316Q, R341Q, R340Q, R365Q.
Identifiers: ClinVar variation 3572447 (VCV003572447.1).

ClinVar aggregate classification (germline): Uncertain significance (1 of 4 stars; one submission).

Submission:

GeneDx
Classification: Uncertain significance. Last evaluated: 2024-07-12. Review status: criteria provided, single submitter. Criteria: GeneDx Variant Classification Process June 2021. Collection method: clinical testing. Allele origin: germline. Affected: yes.
Comment: Not observed at significant frequency in large population cohorts (gnomAD); In silico analysis supports that this missense variant has a deleterious effect on protein structure/function; Has not been previously published as pathogenic or benign to our knowledge